The following is an entry in ClinVar:

ClinVar aggregate classification (germline): Pathogenic (1 of 4 stars; one submission).

Submission:

Labcorp Genetics (formerly Invitae), Labcorp
Classification: Pathogenic. Last evaluated: 2021-12-08. Review status: criteria provided, single submitter. Criteria: Invitae Variant Classification Sherloc (09022015). Collection method: clinical testing. Allele origin: germline.
Comment: This sequence change replaces alanine, which is neutral and non-polar, with proline, which is neutral and non-polar, at codon 363 of the PHEX protein (p.Ala363Pro). This variant is not present in population databases (gnomAD no frequency). This missense change has been observed in individual(s) with PHEX-related conditions (Invitae). In at least one individual the variant was observed to be de novo. Advanced modeling of protein sequence and biophysical properties (such as structural, functional, and spatial information, amino acid conservation, physicochemical variation, residue mobility, and thermodynamic stability) performed at Invitae indicates that this missense variant is expected to disrupt PHEX protein function. For these reasons, this variant has been classified as Pathogenic.

NM_000444.6(PHEX):c.1087G>C (p.Ala363Pro)

Gene: PHEX (phosphate regulating endopeptidase X-linked; plus strand). Cytogenetic location: Xp22.11.
Variant type: single nucleotide variant.
Coding change: c.1087G>C on transcript NM_000444.6 (MANE Select); coding-DNA position 1087, G replaced by C.
Protein change: p.Ala363Pro; replaces alanine 363 with proline.
Molecular consequence: missense variant.
Genome position (GRCh38, 1-based): chrX:22,111,474, G>C. VCF-style: chrX-22111474-G-C. GRCh37 (hg19) VCF-style: chrX-22129592-G-C.
Other names: c.1087G>C, p.Ala363Pro (NM_001282754.2); short protein forms A363P.
Identifiers: ClinVar variation 1452746 (VCV001452746.6), dbSNP rs2147061892, ClinGen allele CA412573086.
Genomic context (GRCh38, chrX:22,111,474, plus strand): 5'-GCATCAGATATTGACCTAAAATACAATAAATGGGCATCTCTCTCTGTTAACAGGACCATT[G>C]CCAACTATTTGGTGTGGAGAATGGTTTATTCCAGAATTCCAAACCTTAGCAGGCGCTTTC-3'
Protein context (NP_000435.3, residues 353-373): ILGSERKKTI[Ala363Pro]NYLVWRMVYS